The following is an entry in ClinVar:

NM_001035.3(RYR2):c.11174T>C (p.Leu3725Pro)

Gene: RYR2 (ryanodine receptor 2; plus strand). Cytogenetic location: 1q43.
Variant type: single nucleotide variant.
Coding change: c.11174T>C on transcript NM_001035.3 (MANE Select); coding-DNA position 11174, T replaced by C.
Protein change: p.Leu3725Pro; replaces leucine 3725 with proline.
Molecular consequence: missense variant.
Genome position (GRCh38, 1-based): chr1:237,756,316, T>C. VCF-style: chr1-237756316-T-C. GRCh37 (hg19) VCF-style: chr1-237919616-T-C.
Other names: short protein forms L3725P.
Identifiers: ClinVar variation 180097 (VCV000180097.6), dbSNP rs727505346, ClinGen allele CA006905.

ClinVar aggregate classification (germline): Uncertain significance. Review status: criteria provided, multiple submitters, no conflicts (2 of 4 stars). 2 submissions from 2 submitters: Uncertain significance (2). Last evaluated 2023-04-24.

Conditions:
Catecholaminergic polymorphic ventricular tachycardia (CVPT). Also called: Catecholamine-induced polymorphic ventricular tachycardia. Identifiers: Orphanet 3286, MedGen C5574922, MONDO:0017990.

Allele frequency attached by ClinVar (database versions not stated): gnomAD exomes below 0.00001; gnomAD 0.00001; TOPMed below 0.00001.
gnomAD v4.1: 2 of 1,613,402 alleles (0.00012%); highest among the groups gnomAD compares: African/African-American, 0.0013%; no homozygotes.

Submissions (2):

All of Us Research Program, National Institutes of Health
Classification: Uncertain significance for Catecholaminergic polymorphic ventricular tachycardia. Last evaluated: 2023-04-24. Review status: criteria provided, single submitter. Criteria: ACMG Guidelines, 2015. Collection method: clinical testing. Allele origin: germline. Inheritance: Autosomal dominant inheritance. Observed: 1 variant allele, 1 heterozygote.
Comment: This missense variant replaces leucine with proline at codon 3725 of the RYR2 protein. Computational prediction suggests that this variant may have deleterious impact on protein structure and function (internally defined REVEL score threshold >= 0.7, PMID: 27666373). To our knowledge, functional studies have not been reported for this variant. This variant has not been reported in individuals affected with RYR2-related disorders in the literature. This variant has not been identified in the general population by the Genome Aggregation Database (gnomAD). The available evidence is insufficient to determine the role of this variant in disease conclusively. Therefore, this variant is classified as a Variant of Uncertain Significance.

This study involves interpretation of variants in research participants for the purpose of population health screening. Participant phenotype was not available at the time of variant classification. Additional details can be found in publication PMID: 35346344, PMCID: PMC8962531

Laboratory for Molecular Medicine, Mass General Brigham Personalized Medicine
Classification: Uncertain significance. Last evaluated: 2014-11-24. Review status: criteria provided, single submitter. Criteria: LMM Criteria. Collection method: clinical testing. Allele origin: germline. Observed: 1 variant allele.
Comment: The p.Leu3725Pro variant in RYR2 has not been previously reported in individuals with cardiomyopathy and was absent from large population studies. Computational prediction tools and conservation analysis suggest that the p.Leu3725Pro varian t may impact the protein, though this information is not predictive enough to de termine pathogenicity. In summary, the clinical significance of the p.Leu3725Pr o variant is uncertain.